The following is an entry in ClinVar:

NM_004177.5(STX3):c.358C>T (p.His120Tyr)

Gene: STX3 (syntaxin 3; plus strand). Cytogenetic location: 11q12.1.
Variant type: single nucleotide variant.
Coding change: c.358C>T on transcript NM_004177.5 (MANE Select); coding-DNA position 358, C replaced by T.
Protein change: p.His120Tyr; replaces histidine 120 with tyrosine.
Molecular consequence: missense variant.
Genome position (GRCh38, 1-based): chr11:59,792,107, C>T. VCF-style: chr11-59792107-C-T. GRCh37 (hg19) VCF-style: chr11-59559580-C-T.
Other names: c.358C>T, p.His120Tyr (NM_001178040.3); short protein forms H120Y.
Identifiers: ClinVar variation 1516591 (VCV001516591.6), dbSNP rs2135015150, ClinGen allele CA380798530.
Genomic context (GRCh38, chr11:59,792,107, plus strand): 5'-GGGGTTCTATAACAGTTACAGAACCACTGGGGCCTGACTGCATTTTACATCATCCCACAG[C>T]ACTCTGTCCTTTCTCGGAAGTTTGTGGAGGTGATGACCAAATACAATGAAGCTCAAGTGG-3'
Protein context (NP_004168.1, residues 110-130): SADLRIRKSQ[His120Tyr]SVLSRKFVEV

ClinVar aggregate classification (germline): Uncertain significance (1 of 4 stars; one submission).

Submission:

Labcorp Genetics (formerly Invitae), Labcorp
Classification: Uncertain significance. Last evaluated: 2021-08-08. Review status: criteria provided, single submitter. Criteria: Invitae Variant Classification Sherloc (09022015). Collection method: clinical testing. Allele origin: germline.
Comment: This variant has not been reported in the literature in individuals affected with STX3-related conditions. This sequence change replaces histidine with tyrosine at codon 120 of the STX3 protein (p.His120Tyr). The histidine residue is highly conserved and there is a moderate physicochemical difference between histidine and tyrosine. This variant is not present in population databases (ExAC no frequency). Algorithms developed to predict the effect of missense changes on protein structure and function are either unavailable or do not agree on the potential impact of this missense change (SIFT: "Tolerated"; PolyPhen-2: "Probably Damaging"; Align-GVGD: "Class C0"). In summary, the available evidence is currently insufficient to determine the role of this variant in disease. Therefore, it has been classified as a Variant of Uncertain Significance.